The following is an entry in ClinVar:

NM_000059.4(BRCA2):c.897dup (p.Val300fs)

Gene: BRCA2 (BRCA2 DNA repair associated; plus strand). Cytogenetic location: 13q13.1.
Variant type: Duplication.
Coding change: c.897dup on transcript NM_000059.4 (MANE Select); coding-DNA position 897, one base duplicated (T; older notation c.897dupT).
Protein change: p.Val300fs; shifts the reading frame from valine 300.
Molecular consequence: frameshift variant.
Genome position (GRCh38, 1-based): chr13:32,332,375, T duplicated; the last of 2 consecutive T bases (chr13:32,332,374-32,332,375); duplicating either gives the same sequence. VCF-style (leftmost placement, unchanged base first): chr13-32332373-G-GT. GRCh37 (hg19) VCF-style: chr13-32906510-G-GT.
Other names: c.897dupT (NM_000059.3); short protein forms V300fs.
Identifiers: ClinVar variation 577308 (VCV000577308.7), dbSNP rs1566222289, ClinGen allele CA891843617.

ClinVar aggregate classification (germline): Pathogenic (1 of 4 stars; one submission).

Conditions:
Hereditary breast ovarian cancer syndrome. Also called: Hereditary breast and ovarian cancer; Breast and ovarian cancer; Hereditary breast and ovarian cancer syndrome; BRCA1- and BRCA2-Associated Hereditary Breast and Ovarian Cancer; Hereditary breast and/or ovarian cancer syndrome; Hereditary breast and ovarian cancer syndrome (HBOC). Identifiers: Orphanet 145, MedGen C0677776, MeSH D061325, MONDO:0003582. Disease mechanism: loss of function.

Submission:

Labcorp Genetics (formerly Invitae), Labcorp
Classification: Pathogenic for Hereditary breast ovarian cancer syndrome. Last evaluated: 2018-06-12. Review status: criteria provided, single submitter. Criteria: Invitae Variant Classification Sherloc (09022015). Collection method: clinical testing. Allele origin: germline.
Comment: For these reasons, this variant has been classified as Pathogenic. Loss-of-function variants in BRCA2 are known to be pathogenic (PMID: 20104584). This variant has not been reported in the literature in individuals with BRCA2-related disease. This variant is not present in population databases (ExAC no frequency). This sequence change creates a premature translational stop signal (p.Val300Cysfs*5) in the BRCA2 gene. It is expected to result in an absent or disrupted protein product.

Literature cited by the submitters: PubMed 20104584.